The following is an entry in ClinVar:

ClinVar aggregate classification (germline): Conflicting classifications of pathogenicity. Review status: criteria provided, conflicting classifications (1 of 4 stars). 9 submissions from 9 submitters: Uncertain significance (1); Likely benign (8). Last evaluated 2026-07-01.

Conditions:
Cardiovascular phenotype. Identifiers: MedGen CN230736.
Glycogen storage disease, type II (IOPD). Also called: Glycogen storage disease type 2; Acid maltase deficiency disease; Aglucosidase alfa; Deficiency of alpha-glucosidase; Deficiency of lysosomal alpha-glucosidase; CARDIOMEGALIA GLYCOGENICA DIFFUSA. Identifiers: Orphanet 365, MedGen C0017921, MONDO:0009290, OMIM 232300.

Allele frequency attached by ClinVar (database versions not stated): TOPMed 0.00010; ExAC 0.00014; 1000 Genomes Project 30x 0.00016; 1000 Genomes Project 0.00020; gnomAD 0.00007; ESP Exome Variant Server 0.00008.

Submissions (9):

Genomenon, Inc
Classification: Likely benign for Glycogen storage disease, type II. Last evaluated: 2026-07-01. Review status: criteria provided, single submitter. Criteria: Genomenon Sequence Variant Interpretation Standards - Updated. Collection method: curation. Allele origin: germline. Affected: no.
Comment: GAA c.2157G>A is a synonymous variant that retains Alanine at codon 719. This variant has been reported in the published literature (PMID:29149851). It is absent or not present at a significant frequency in gnomAD. This variant is not predicted to impact splicing. In conclusion, we classify GAA c.2157G>A (p.Ala719=) as a likely benign variant.

Labcorp Genetics (formerly Invitae), Labcorp
Classification: Likely benign for Glycogen storage disease, type II. Last evaluated: 2025-12-08. Review status: criteria provided, single submitter. Criteria: Invitae Variant Classification Sherloc (09022015). Collection method: clinical testing. Allele origin: germline.

CeGaT Center for Human Genetics Tuebingen
Classification: Likely benign. Last evaluated: 2025-09-01. Review status: criteria provided, single submitter. Criteria: CeGaT Center For Human Genetics Tuebingen Variant Classification Criteria Version 2. Collection method: clinical testing. Allele origin: germline. Affected: yes. Observed: 1 variant allele.
Comment: GAA: BP4, BP7

Women's Health and Genetics/Laboratory Corporation of America, LabCorp
Classification: Likely benign. Last evaluated: 2022-05-03. Review status: criteria provided, single submitter. Criteria: LabCorp Variant Classification Summary - May 2015. Collection method: clinical testing. Allele origin: germline.

Ambry Genetics
Classification: Likely benign for Cardiovascular phenotype. Last evaluated: 2022-03-09. Review status: criteria provided, single submitter. Criteria: Ambry Variant Classification Scheme 2023. Collection method: clinical testing. Allele origin: germline.

Genome-Nilou Lab
Classification: Likely benign for Glycogen storage disease, type II. Last evaluated: 2021-07-22. Review status: criteria provided, single submitter. Criteria: ACMG Guidelines, 2015. Collection method: clinical testing. Allele origin: germline. Affected: no.

GeneDx
Classification: Likely benign. Last evaluated: 2020-03-06. Review status: criteria provided, single submitter. Criteria: GeneDx Variant Classification Process June 2021. Collection method: clinical testing. Allele origin: germline. Affected: yes.

Broad Center for Mendelian Genomics, Broad Institute of MIT and Harvard
Classification: Likely benign for Glycogen storage disease, type II. Last evaluated: 2020-01-22. Review status: criteria provided, single submitter. Criteria: ACMG Guidelines, 2015. Collection method: curation. Allele origin: germline. Inheritance: Autosomal recessive inheritance.
Comment: This variant has also been reported as a VUS by EGL and a likely benign variant by GeneDx and Invitae in ClinVar (Variation ID: 194459). This variant has been identified in 0.05516% (18/32630) of Latino chromosomes and 0.01804% (4/22168) of African chromosomes by the Genome Aggregation Database (gnomAD; dbSNP rs201523530). Although this variant has been seen in the general population, its frequency is low enough to be consistent with a recessive carrier frequency. Computational prediction tools and conservation analyses suggest that this variant may not impact the protein, though this information is not predictive enough to rule out pathogenicity. However, novel synonymous variants supported by computational evidence without raised suspicion for an impact are likely benign (Richards 2015). In summary, although additional studies are required to fully establish its clinical significance, this variant is likely benign. ACMG/AMP Criteria applied: PM2, BP4, BP7 (Richards 2015).

Eurofins Ntd Llc (ga)
Classification: Uncertain significance. Last evaluated: 2015-01-15. Review status: criteria provided, single submitter. Criteria: EGL Classification Definitions 2015. Collection method: clinical testing. Allele origin: germline. Observed: 1 variant allele, 1 heterozygote.

Literature cited by the submitters: PubMed 29149851 (cited by Genomenon, Inc).

NM_000152.5(GAA):c.2157G>A (p.Ala719=)

Gene: GAA (alpha glucosidase; plus strand). Cytogenetic location: 17q25.3.
Variant type: single nucleotide variant.
Coding change: c.2157G>A on transcript NM_000152.5 (MANE Select); coding-DNA position 2157, G replaced by A.
Protein change: p.Ala719=; no amino-acid change (alanine 719 retained).
Molecular consequence: synonymous variant.
Genome position (GRCh38, 1-based): chr17:80,113,334, G>A. VCF-style: chr17-80113334-G-A. GRCh37 (hg19) VCF-style: chr17-78087133-G-A.
Other names: c.2157G>A (LRG_673t1, NM_000152.4); c.2157G>A, p.Ala719= (NM_001079803.3, NM_001079804.3).
Identifiers: ClinVar variation 194459 (VCV000194459.34), dbSNP rs201523530, ClinGen allele CA240430.
Genomic context (GRCh38, chr17:80,113,334, plus strand): 5'-CACCCTGCGCTACGCACTCCTCCCCCACCTCTACACACTGTTCCACCAGGCCCACGTCGC[G>A]GGGGAGACCGTGGCCCGGCCCCTCTTCCTGGAGTGAGTGACCTAGGCAGGGGCGGTGGCC-3'
Protein context (NP_000143.2, residues 709-729): LYTLFHQAHV[Ala719=]GETVARPLFL